The following is an entry in ClinVar:

ClinVar aggregate classification (germline): Uncertain significance (1 of 4 stars; one submission).

Conditions:
Hypertrophic cardiomyopathy 14. Identifiers: MedGen C2750467, MONDO:0013197, OMIM 613251.

Submission:

Labcorp Genetics (formerly Invitae), Labcorp
Classification: Uncertain significance for Hypertrophic cardiomyopathy 14. Last evaluated: 2026-01-20. Review status: criteria provided, single submitter. Criteria: Invitae Variant Classification Sherloc (09022015). Collection method: clinical testing. Allele origin: germline.
Comment: This sequence change replaces isoleucine, which is neutral and non-polar, with threonine, which is neutral and polar, at codon 706 of the MYH6 protein (p.Ile706Thr). This variant is not present in population databases (gnomAD no frequency). This variant has not been reported in the literature in individuals affected with MYH6-related conditions. Invitae Evidence Modeling of protein sequence and biophysical properties (such as structural, functional, and spatial information, amino acid conservation, physicochemical variation, residue mobility, and thermodynamic stability) indicates that this missense variant is expected to disrupt MYH6 protein function with a positive predictive value of 80%. In summary, the available evidence is currently insufficient to determine the role of this variant in disease. Therefore, it has been classified as a Variant of Uncertain Significance.

NM_002471.4(MYH6):c.2117T>C (p.Ile706Thr)

Gene: MYH6 (myosin heavy chain 6; minus strand). Cytogenetic location: 14q11.2.
Variant type: single nucleotide variant.
Coding change: c.2117T>C on transcript NM_002471.4 (MANE Select); coding-DNA position 2117, T replaced by C.
Protein change: p.Ile706Thr; replaces isoleucine 706 with threonine.
Molecular consequence: missense variant.
Genome position (GRCh38, 1-based): chr14:23,397,014, A>G on the plus strand (T>C on the coding strand, the complement: MYH6 is on the minus strand). VCF-style: chr14-23397014-A-G. GRCh37 (hg19) VCF-style: chr14-23866223-A-G.
Other names: short protein forms I706T.
Identifiers: ClinVar variation 4805081 (VCV004805081.1).